The following is an entry in ClinVar:

ClinVar aggregate classification (germline): Conflicting classifications of pathogenicity. Review status: criteria provided, conflicting classifications (1 of 4 stars). 7 submissions from 7 submitters: Uncertain significance (1); Benign (2); Likely benign (3). 1 of the submissions does not count toward it. Last evaluated 2026-01-12.

Conditions:
PLCE1-related disorder. Also called: PLCE1-related condition.
Nephrotic syndrome, type 3 (NPHS3). Also called: NEPHROTIC SYNDROME, EARLY-ONSET, TYPE 3. Identifiers: Orphanet 656, MedGen C1853124, MONDO:0012546, OMIM 610725.
Focal segmental glomerulosclerosis (FSGS). Also called: Glomerulosclerosis, focal; Focal sclerosis with hyalinosis. Identifiers: MedGen C0017668, MONDO:0100313, HP:0000097. Disease mechanism: loss of function.

Allele frequency attached by ClinVar (database versions not stated): 1000 Genomes Project 30x 0.00078; ESP Exome Variant Server 0.00082; 1000 Genomes Project 0.00100; gnomAD 0.00101 and 0.00109; gnomAD exomes 0.00104 and 0.00140; TOPMed 0.00117; ExAC 0.00124.
gnomAD v4.1: 1,782 of 1,612,284 alleles (0.11%); highest among the groups gnomAD compares: Middle Eastern, 1.7%; 5 homozygotes.

Submissions (7):

Labcorp Genetics (formerly Invitae), Labcorp
Classification: Benign. Last evaluated: 2026-01-12. Review status: criteria provided, single submitter. Criteria: Invitae Variant Classification Sherloc (09022015). Collection method: clinical testing. Allele origin: germline.

Blueprint Genetics
Classification: Likely benign. Last evaluated: 2024-11-26. Review status: criteria provided, single submitter. Criteria: ACMG Guidelines, 2015. Collection method: clinical testing. Allele origin: germline.

CeGaT Center for Human Genetics Tuebingen
Classification: Likely benign. Last evaluated: 2023-02-01. Review status: criteria provided, single submitter. Criteria: CeGaT Center For Human Genetics Tuebingen Variant Classification Criteria Version 2. Collection method: clinical testing. Allele origin: germline. Affected: yes. Observed: 2 variant alleles.
Comment: PLCE1: BP4, BP7

Genome Diagnostics Laboratory, The Hospital for Sick Children
Classification: Likely benign for Focal segmental glomerulosclerosis. Last evaluated: 2022-03-31. Review status: criteria provided, single submitter. Criteria: ACMG Guidelines, 2015. Collection method: clinical testing. Allele origin: germline.

Illumina Laboratory Services, Illumina
Classification: Uncertain significance for Nephrotic syndrome, type 3. Last evaluated: 2018-01-12. Review status: criteria provided, single submitter. Criteria: ICSL Variant Classification Criteria 13 December 2019. Collection method: clinical testing. Allele origin: germline.

Athena Diagnostics
Classification: Benign. Last evaluated: 2017-12-07. Review status: criteria provided, single submitter. Criteria: Athena Diagnostics Criteria. Collection method: clinical testing. Allele origin: germline.

PreventionGenetics, part of Exact Sciences
Classification: Benign for PLCE1-related condition. Last evaluated: 2020-08-21. Review status: no assertion criteria provided. Collection method: clinical testing. Allele origin: germline. Not counted in ClinVar's aggregate classification.
Comment: This variant is classified as benign based on ACMG/AMP sequence variant interpretation guidelines (Richards et al. 2015 PMID: 25741868, with internal and published modifications).

NM_016341.4(PLCE1):c.513G>A (p.Val171=)

Gene: PLCE1 (phospholipase C epsilon 1; plus strand). Cytogenetic location: 10q23.33.
Variant type: single nucleotide variant.
Coding change: c.513G>A on transcript NM_016341.4 (MANE Select); coding-DNA position 513, G replaced by A.
Protein change: p.Val171=; no amino-acid change (valine 171 retained).
Molecular consequence: synonymous variant.
Genome position (GRCh38, 1-based): chr10:94,031,559, G>A. VCF-style: chr10-94031559-G-A. GRCh37 (hg19) VCF-style: chr10-95791316-G-A.
Other names: c.513G>A, p.Val171= (NM_001288989.2).
Identifiers: ClinVar variation 260723 (VCV000260723.41), dbSNP rs61749239, ClinGen allele CA5612132.